The following is an entry in ClinVar:

NM_018670.4(MESP1):c.753G>A (p.Leu251=)

Gene: MESP1 (mesoderm posterior bHLH transcription factor 1; minus strand). Cytogenetic location: 15q26.1.
Variant type: single nucleotide variant.
Coding change: c.753G>A on transcript NM_018670.4 (MANE Select); coding-DNA position 753, G replaced by A.
Protein change: p.Leu251=; no amino-acid change (leucine 251 retained).
Molecular consequence: synonymous variant.
Genome position (GRCh38, 1-based): chr15:89,750,198, C>T on the plus strand (G>A on the coding strand, the complement: MESP1 is on the minus strand). VCF-style: chr15-89750198-C-T. GRCh37 (hg19) VCF-style: chr15-90293429-C-T.
Identifiers: ClinVar variation 3351872 (VCV003351872.1).

ClinVar aggregate classification (germline): Likely benign (0 of 4 stars; one submission).

Conditions:
MESP1-related disorder. Also called: MESP1-related condition.

gnomAD v4.1: 9 of 1,613,962 alleles (0.00056%); highest among the groups gnomAD compares: East Asian, 0.0089%; no homozygotes.

Submission:

PreventionGenetics, part of Exact Sciences
Classification: Likely benign for MESP1-related condition. Last evaluated: 2020-07-17. Review status: no assertion criteria provided. Collection method: clinical testing. Allele origin: germline.
Comment: This variant is classified as likely benign based on ACMG/AMP sequence variant interpretation guidelines (Richards et al. 2015 PMID: 25741868, with internal and published modifications).